The following is an entry in ClinVar:

NM_000975.5(RPL11):c.264+4A>T

Gene: RPL11 (ribosomal protein L11; plus strand). Cytogenetic location: 1p36.11.
Variant type: single nucleotide variant.
Coding change: c.264+4A>T on transcript NM_000975.5 (MANE Select); 4 bases into the intron after coding-DNA position 264, A replaced by T.
Molecular consequence: intron variant.
Genome position (GRCh38, 1-based): chr1:23,693,917, A>T. VCF-style: chr1-23693917-A-T. GRCh37 (hg19) VCF-style: chr1-24020407-A-T.
Other names: c.261+4A>T (NM_001199802.1).
Identifiers: ClinVar variation 2885178 (VCV002885178.3), dbSNP rs879160012, ClinGen allele CA1158915830.
Genomic context (GRCh38, chr1:23,693,917, plus strand): 5'-GTCCACTGCACAGTTCGAGGGGCCAAGGCAGAAGAAATCTTGGAGAAGGGTCTAAAGGTG[A>T]GCCTAATCCCCTAATGGAGTGATATTGATCAGCACTCCTTTAGTAACACATGTAGATAAG-3'

ClinVar aggregate classification (germline): Uncertain significance (1 of 4 stars; one submission).

Conditions:
Diamond-Blackfan anemia. Also called: Blackfan Diamond syndrome; Aregenerative anemia chronic congenital; Red cell aplasia, pure hereditary; Congenital hypoplastic anemia; Aase syndrome. Identifiers: Orphanet 124, MedGen C1260899, MeSH D029503, MONDO:0015253, HP:0004810.

Submission:

Labcorp Genetics (formerly Invitae), Labcorp
Classification: Uncertain significance for Diamond-Blackfan anemia. Last evaluated: 2023-03-20. Review status: criteria provided, single submitter. Criteria: Invitae Variant Classification Sherloc (09022015). Collection method: clinical testing. Allele origin: germline.
Comment: In summary, the available evidence is currently insufficient to determine the role of this variant in disease. Therefore, it has been classified as a Variant of Uncertain Significance. Variants that disrupt the consensus splice site are a relatively common cause of aberrant splicing (PMID: 17576681, 9536098). Algorithms developed to predict the effect of sequence changes on RNA splicing suggest that this variant is not likely to affect RNA splicing. This variant has not been reported in the literature in individuals affected with RPL11-related conditions. This variant is not present in population databases (gnomAD no frequency). This sequence change falls in intron 3 of the RPL11 gene. It does not directly change the encoded amino acid sequence of the RPL11 protein. It affects a nucleotide within the consensus splice site.

Literature cited by the submitters: PubMed 17576681; PubMed 9536098.